The following is an entry in ClinVar:

ClinVar aggregate classification (germline): Uncertain significance. Review status: criteria provided, multiple submitters, no conflicts (2 of 4 stars). 2 submissions from 2 submitters: Uncertain significance (2). Last evaluated 2025-07-16.

Conditions:
TENM4-related disorder. Also called: TENM4-related condition.

Allele frequency attached by ClinVar (database versions not stated): gnomAD 0.00001.
gnomAD v4.1: 16 of 1,550,938 alleles (0.001%); highest among the groups gnomAD compares: Middle Eastern, 0.017%; no homozygotes.

Submissions (2):

Ambry Genetics
Classification: Uncertain significance. Last evaluated: 2025-07-16. Review status: criteria provided, single submitter. Criteria: Ambry Variant Classification Scheme 2023. Collection method: clinical testing. Allele origin: germline.

PreventionGenetics, part of Exact Sciences
Classification: Uncertain significance for TENM4-related condition. Last evaluated: 2022-08-26. Review status: criteria provided, single submitter. Criteria: ACMG Guidelines, 2015. Collection method: clinical testing. Allele origin: germline.
Comment: The TENM4 c.119G>C variant is predicted to result in the amino acid substitution p.Ser40Thr. To our knowledge, this variant has not been reported in the literature. This variant is reported in 0.0017% of alleles in individuals of European (Non-Finnish) descent in gnomAD. At this time, the clinical significance of this variant is uncertain due to the absence of conclusive functional and genetic evidence.

NM_001098816.3(TENM4):c.119G>C (p.Ser40Thr)

Gene: TENM4 (teneurin transmembrane protein 4; minus strand). Cytogenetic location: 11q14.1.
Variant type: single nucleotide variant.
Coding change: c.119G>C on transcript NM_001098816.3 (MANE Select); coding-DNA position 119, G replaced by C.
Protein change: p.Ser40Thr; replaces serine 40 with threonine.
Molecular consequence: missense variant.
Genome position (GRCh38, 1-based): chr11:79,069,826, C>G on the plus strand (G>C on the coding strand, the complement: TENM4 is on the minus strand). VCF-style: chr11-79069826-C-G. GRCh37 (hg19) VCF-style: chr11-78780871-C-G.
Other names: short protein forms S40T.
Identifiers: ClinVar variation 2628927 (VCV002628927.2), dbSNP rs1463723707, ClinGen allele CA382185974.